The following is an entry in ClinVar:

ClinVar aggregate classification (germline): Uncertain significance. Review status: reviewed by expert panel (3 of 4 stars). 3 submissions from 3 submitters: Uncertain significance (1). 2 of the submissions do not count toward it. Last evaluated 2024-07-17.

Conditions:
Inborn genetic diseases. Identifiers: MedGen C0950123, MeSH D030342.
Hereditary thrombocytopenia and hematological cancer predisposition syndrome associated with RUNX1. Also called: Familial Platelet Disorder with Propensity to Acute Myelogenous Leukemia; Familial thrombocytopenia with propensity to acute myelogenous leukemia; RUNX1 Familial Platelet Disorder with Associated Myeloid Malignancies; PLATELET DISORDER, ASPIRIN-LIKE. Identifiers: Orphanet 71290, MedGen C1832388, MeSH C563324, MONDO:0100083, OMIM 601399.

Submissions (3):

ClinGen Myeloid Malignancy Variant Curation Expert Panel
Classification: Uncertain significance for Hereditary thrombocytopenia and hematological cancer predisposition syndrome associated with RUNX1. Last evaluated: 2024-07-17. Review status: reviewed by expert panel. Criteria: ClinGen MyeloMalig ACMG Specifications v2. Collection method: curation. Allele origin: germline. Inheritance: Autosomal dominant inheritance.
Comment: NM_001754.5(RUNX1):c.7del (p.Ser3GlnfsTer16) is a frameshift variant located in an exon that is absent from RUNX1 isoforms a and b (c.1-c.97 as per VCEP specifications) (PVS1_NA). This variant is completely absent from all population databases with at least 20x coverage for RUNX1 (PM2_supporting). In summary, the clinical significance of this variant is uncertain. ACMG/AMP criteria applied, as specified by the Myeloid Malignancy Variant Curation Expert Panel for RUNX1: PM2_supporting.

Ambry Genetics
Classification: Uncertain significance for Inborn genetic diseases. Last evaluated: 2025-10-01. Review status: criteria provided, single submitter. Criteria: Ambry Variant Classification Scheme 2023. Collection method: clinical testing. Allele origin: germline. Not counted in ClinVar's aggregate classification.
Comment: The c.7delT variant, located in coding exon 1 of the RUNX1 gene, results from a deletion of one nucleotide at nucleotide position 7, causing a translational frameshift with a predicted alternate stop codon (p.S3Qfs*16). The predicted stop codon occurs in the 5&rsquo; end of thegene. Premature termination codons in the 5&rsquo; end of a gene have been reported to escape nonsense-mediated mRNAdecay and/or lead to re-initiation (Rivas et al. Science. 2015 May 8;348(6235):666-9; Lindeboom et al. Nat Genet. 2016 Oct;48(10):1112-8; Rhee et al. Sci Rep. 2017 May 10;7(1):1653). Moreover, it is currently unclear if variants that occur in this region of the gene cause disease. The exact functional effect of this alteration is unknown. Since supporting evidence is limited at this time, the clinical significance of this alteration remains unclear.

Labcorp Genetics (formerly Invitae), Labcorp
Classification: Uncertain significance for Hereditary thrombocytopenia and hematological cancer predisposition syndrome associated with RUNX1. Last evaluated: 2024-04-16. Review status: criteria provided, single submitter. Criteria: Invitae Variant Classification Sherloc (09022015). Collection method: clinical testing. Allele origin: germline. Not counted in ClinVar's aggregate classification.
Comment: This sequence change creates a premature translational stop signal (p.Ser3Glnfs*16) in the RUNX1 gene. However, it is currently unclear if variants that occur in this region of the gene cause disease. This variant is not present in population databases (gnomAD no frequency). This variant has not been reported in the literature in individuals affected with RUNX1-related conditions. ClinVar contains an entry for this variant (Variation ID: 1417068). In summary, the available evidence is currently insufficient to determine the role of this variant in disease. Therefore, it has been classified as a Variant of Uncertain Significance.

NM_001754.5(RUNX1):c.7del (p.Ser3fs)

Gene: RUNX1 (RUNX family transcription factor 1; minus strand). Cytogenetic location: 21q22.12.
Variant type: Deletion.
Coding change: c.7del on transcript NM_001754.5 (MANE Select); coding-DNA position 7, one base deleted (T; older notation c.7delT).
Protein change: p.Ser3fs; shifts the reading frame from serine 3.
Molecular consequence: frameshift variant.
Genome position (GRCh38, 1-based): chr21:35,048,893, A deleted on the plus strand (T on the coding strand, the reverse complement: RUNX1 is on the minus strand); the first of 2 consecutive A bases (chr21:35,048,893-35,048,894); deleting either gives the same sequence. VCF-style (leftmost placement, unchanged base first): chr21-35048892-GA-G. GRCh37 (hg19) VCF-style: chr21-36421189-GA-G.
Other names: NM_001754.5(RUNX1):c.7del; p.Ser3fs; c.7delT (NM_001754.4); short protein forms S3fs.
Identifiers: ClinVar variation 1417068 (VCV001417068.8), dbSNP rs2147041983, ClinGen allele CA2573157360.
Genomic context (GRCh38, chr21:35,048,892, plus strand): 5'-ATGTACTCACCTCTCATGAAGCACTGTGGGTACGAAGGAAATGACTCAAATATGCTGTCT[GA>G]AGCCATCGCTTCCTCCTGAAAATGCACCCTCTTCTGAAGGCGGGGGACTCAATGATTTCT-3'